The following is an entry in ClinVar:

NM_000548.5(TSC2):c.4399G>T (p.Ala1467Ser)

Gene: TSC2 (TSC complex subunit 2; plus strand). Cytogenetic location: 16p13.3.
Variant type: single nucleotide variant.
Coding change: c.4399G>T on transcript NM_000548.5 (MANE Select); coding-DNA position 4399, G replaced by T.
Protein change: p.Ala1467Ser; replaces alanine 1467 with serine.
Molecular consequence: missense variant.
Genome position (GRCh38, 1-based): chr16:2,084,621, G>T. VCF-style: chr16-2084621-G-T. GRCh37 (hg19) VCF-style: chr16-2134622-G-T.
Other names: c.4198G>T, p.Ala1400Ser (NM_001077183.3); c.4330G>T, p.Ala1444Ser (NM_001114382.3); c.4090G>T, p.Ala1364Ser (NM_001318827.2); c.4054G>T, p.Ala1352Ser (NM_001318829.2); c.3667G>T, p.Ala1223Ser (NM_001318831.2); c.4231G>T, p.Ala1411Ser (NM_001318832.2); c.4201G>T, p.Ala1401Ser (NM_001363528.2); c.4267G>T, p.Ala1423Ser (NM_001370404.1); and 1 more; short protein forms A1364S, A1411S, A1467S, A1400S, A1401S, A1444S, A1223S, A1424S.
Identifiers: ClinVar variation 957101 (VCV000957101.10), dbSNP rs774980656, ClinGen allele CA051039.

ClinVar aggregate classification (germline): Conflicting classifications of pathogenicity. Review status: criteria provided, conflicting classifications (1 of 4 stars). 2 submissions from 2 submitters: Uncertain significance (1); Benign (1). Last evaluated 2026-01-25.

Conditions:
Hereditary cancer-predisposing syndrome. Also called: Hereditary neoplastic syndrome; Tumor predisposition; Neoplastic Syndromes, Hereditary; Hereditary Cancer Syndrome. Identifiers: Orphanet 140162, MedGen C0027672, MeSH D009386, MONDO:0015356.
Tuberous sclerosis 2 (TSC2). Identifiers: Orphanet 805, MedGen C1860707, MONDO:0013199, OMIM 613254.

Allele frequency attached by ClinVar (database versions not stated): gnomAD exomes below 0.00001; ExAC 0.00001.
gnomAD v4.1: 1 of 1,601,216 alleles (0.000062%); no homozygotes.

Submissions (2):

Labcorp Genetics (formerly Invitae), Labcorp
Classification: Benign for Tuberous sclerosis 2. Last evaluated: 2026-01-25. Review status: criteria provided, single submitter. Criteria: Invitae Variant Classification Sherloc (09022015). Collection method: clinical testing. Allele origin: germline.

Ambry Genetics
Classification: Uncertain significance for Hereditary cancer-predisposing syndrome. Last evaluated: 2023-04-26. Review status: criteria provided, single submitter. Criteria: Ambry Variant Classification Scheme 2023. Collection method: clinical testing. Allele origin: germline.
Comment: The p.A1467S variant (also known as c.4399G>T), located in coding exon 33 of the TSC2 gene, results from a G to T substitution at nucleotide position 4399. The alanine at codon 1467 is replaced by serine, an amino acid with similar properties. This amino acid position is well conserved in available vertebrate species. In addition, the in silico prediction for this alteration is inconclusive. Since supporting evidence is limited at this time, the clinical significance of this alteration remains unclear.